The following is an entry in ClinVar:

NM_000038.6(APC):c.2003A>C (p.His668Pro)

Gene: APC (APC regulator of Wnt signaling pathway; plus strand). Cytogenetic location: 5q22.2.
Variant type: single nucleotide variant.
Coding change: c.2003A>C on transcript NM_000038.6 (MANE Select); coding-DNA position 2003, A replaced by C.
Protein change: p.His668Pro; replaces histidine 668 with proline.
Molecular consequence: missense variant. On other transcripts: non-coding transcript variant (2).
Genome position (GRCh38, 1-based): chr5:112,837,597, A>C. VCF-style: chr5-112837597-A-C. GRCh37 (hg19) VCF-style: chr5-112173294-A-C.
Other names: c.2003A>C, p.His668Pro (NM_001127510.3, NM_001354895.2, NM_001407450.1); c.1949A>C, p.His650Pro (NM_001127511.3); c.2057A>C, p.His686Pro (NM_001354896.2, NM_001407447.1, NM_001407448.1 and 1 more transcripts); c.2033A>C, p.His678Pro (NM_001354897.2); c.1928A>C, p.His643Pro (NM_001354898.2); c.1919A>C, p.His640Pro (NM_001354899.2); c.1880A>C, p.His627Pro (NM_001354900.2); c.1826A>C, p.His609Pro (NM_001354901.2, NM_001407453.1); and 11 more; short protein forms H284P, H385P, H508P, H539P, H542P, H567P, H577P, H585P.
Identifiers: ClinVar variation 4801449 (VCV004801449.1).

ClinVar aggregate classification (germline): Uncertain significance (1 of 4 stars; one submission).

Conditions:
Familial adenomatous polyposis 1 (FAP1). Also called: FAMILIAL ADENOMATOUS POLYPOSIS 1, ATTENUATED; POLYPOSIS, ADENOMATOUS INTESTINAL. Identifiers: MedGen C2713442, MONDO:0021056, OMIM 175100. Disease mechanism: loss of function.

Submission:

Labcorp Genetics (formerly Invitae), Labcorp
Classification: Uncertain significance for Familial adenomatous polyposis 1. Last evaluated: 2025-03-09. Review status: criteria provided, single submitter. Criteria: Invitae Variant Classification Sherloc (09022015). Collection method: clinical testing. Allele origin: germline.
Comment: This sequence change replaces histidine, which is basic and polar, with proline, which is neutral and non-polar, at codon 668 of the APC protein (p.His668Pro). This variant is not present in population databases (gnomAD no frequency). This variant has not been reported in the literature in individuals affected with APC-related conditions. Invitae Evidence Modeling of protein sequence and biophysical properties (such as structural, functional, and spatial information, amino acid conservation, physicochemical variation, residue mobility, and thermodynamic stability) indicates that this missense variant is not expected to disrupt APC protein function with a negative predictive value of 95%. In summary, the available evidence is currently insufficient to determine the role of this variant in disease. Therefore, it has been classified as a Variant of Uncertain Significance.